The following is an entry in ClinVar:

NM_206937.2(LIG4):c.204G>A (p.Met68Ile)

Gene: LIG4 (DNA ligase 4; minus strand). Cytogenetic location: 13q33.3.
Variant type: single nucleotide variant.
Coding change: c.204G>A on transcript NM_206937.2 (MANE Select); coding-DNA position 204, G replaced by A.
Protein change: p.Met68Ile; replaces methionine 68 with isoleucine.
Molecular consequence: missense variant. On other transcripts: initiator codon variant (1).
Genome position (GRCh38, 1-based): chr13:108,211,065, C>T on the plus strand (G>A on the coding strand, the complement: LIG4 is on the minus strand). VCF-style: chr13-108211065-C-T. GRCh37 (hg19) VCF-style: chr13-108863413-C-T.
Other names: c.204G>A, p.Met68Ile (NM_001098268.2, NM_001352598.2, NM_001352599.2 and 6 more transcripts); c.3G>A, p.Met1Ile (NM_001330595.2); c.240G>A, p.Met80Ile (NM_001352604.2); short protein forms M68I, M80I, M1I.
Identifiers: ClinVar variation 579481 (VCV000579481.13), dbSNP rs1326374108, ClinGen allele CA388624048.

ClinVar aggregate classification (germline): Uncertain significance. Review status: criteria provided, multiple submitters, no conflicts (2 of 4 stars). 2 submissions from 2 submitters: Uncertain significance (2). Last evaluated 2025-04-17.

Conditions:
DNA ligase IV deficiency. Identifiers: Orphanet 99812, MedGen C1847827, MONDO:0011686, OMIM 606593.

Allele frequency attached by ClinVar (database versions not stated): gnomAD exomes below 0.00001 and 0.00001; TOPMed 0.00002.

Submissions (2):

Women's Health and Genetics/Laboratory Corporation of America, LabCorp
Classification: Uncertain significance. Last evaluated: 2025-04-17. Review status: criteria provided, single submitter. Criteria: LabCorp Variant Classification Summary - May 2015. Collection method: clinical testing. Allele origin: germline.
Comment: Variant summary: LIG4 c.204G>A (p.Met68Ile) results in a conservative amino acid change in the encoded protein sequence. Three of five in-silico tools predict a benign effect of the variant on protein function. The variant allele was found at a frequency of 4.1e-06 in 245400 control chromosomes. c.204G>A has been observed as homozygous in an individual affected with immunodeficiency (Al-Tamemi_2023). These data indicate that the variant may be associated with disease. To our knowledge, no experimental evidence demonstrating an impact on protein function has been reported. The following publication has been ascertained in the context of this evaluation (PMID: 36324046). ClinVar contains an entry for this variant (Variation ID: 579481). Based on the evidence outlined above, the variant was classified as VUS-possibly pathogenic.

Labcorp Genetics (formerly Invitae), Labcorp
Classification: Uncertain significance for DNA ligase IV deficiency. Last evaluated: 2020-03-28. Review status: criteria provided, single submitter. Criteria: Invitae Variant Classification Sherloc (09022015). Collection method: clinical testing. Allele origin: germline.
Comment: This sequence change replaces methionine with isoleucine at codon 68 of the LIG4 protein (p.Met68Ile). The methionine residue is moderately conserved and there is a small physicochemical difference between methionine and isoleucine. This variant is not present in population databases (ExAC no frequency). This variant has not been reported in the literature in individuals with LIG4-related disease. Algorithms developed to predict the effect of missense changes on protein structure and function (SIFT, PolyPhen-2, Align-GVGD) all suggest that this variant is likely to be tolerated, but these predictions have not been confirmed by published functional studies and their clinical significance is uncertain. In summary, the available evidence is currently insufficient to determine the role of this variant in disease. Therefore, it has been classified as a Variant of Uncertain Significance.

Literature cited by the submitters: PubMed 36324046 (cited by Women's Health and Genetics/Laboratory Corporation of America, LabCorp).